The following is an entry in ClinVar:

ClinVar aggregate classification (germline): Conflicting classifications of pathogenicity. Review status: criteria provided, conflicting classifications (1 of 4 stars). 4 submissions from 4 submitters: Uncertain significance (3); Likely benign (1). Last evaluated 2025-06-26.

Conditions:
Cardiovascular phenotype. Identifiers: MedGen CN230736.

Allele frequency attached by ClinVar (database versions not stated): gnomAD 0.00003; ExAC 0.00005; 1000 Genomes Project 30x 0.00031; 1000 Genomes Project 0.00040; TOPMed below 0.00001.
gnomAD v4.1: 27 of 1,550,448 alleles (0.0017%); highest among the groups gnomAD compares: East Asian, 0.027%; no homozygotes.

Submissions (4):

Women's Health and Genetics/Laboratory Corporation of America, LabCorp
Classification: Uncertain significance. Last evaluated: 2025-06-26. Review status: criteria provided, single submitter. Criteria: LabCorp Variant Classification Summary - May 2015. Collection method: clinical testing. Allele origin: germline.
Comment: Variant summary: ZNF469 c.4114G>A (p.Gly1372Arg) results in a non-conservative amino acid change in the encoded protein sequence. Algorithms developed to predict the effect of missense changes on protein structure and function are either unavailable or do not agree on the potential impact of this missense change. The variant allele was found at a frequency of 3.3e-05 in 153774 control chromosomes. The available data on variant occurrences in the general population are insufficient to allow any conclusion about variant significance. To our knowledge, no occurrence of c.4114G>A in individuals affected with Brittle cornea syndrome 1 and no experimental evidence demonstrating its impact on protein function have been reported. ClinVar contains an entry for this variant (Variation ID: 1737204). Based on the evidence outlined above, the variant was classified as uncertain significance.

GeneDx
Classification: Uncertain significance. Last evaluated: 2024-12-18. Review status: criteria provided, single submitter. Criteria: GeneDx Variant Classification Process June 2021. Collection method: clinical testing. Allele origin: germline. Affected: yes.
Comment: In silico analysis supports that this missense variant has a deleterious effect on protein structure/function; Has not been previously published as pathogenic or benign to our knowledge

Labcorp Genetics (formerly Invitae), Labcorp
Classification: Uncertain significance. Last evaluated: 2024-07-30. Review status: criteria provided, single submitter. Criteria: Invitae Variant Classification Sherloc (09022015). Collection method: clinical testing. Allele origin: germline.
Comment: This sequence change replaces glycine, which is neutral and non-polar, with arginine, which is basic and polar, at codon 1344 of the ZNF469 protein (p.Gly1344Arg). This variant is present in population databases (rs368674617, gnomAD 0.04%). This variant has not been reported in the literature in individuals affected with ZNF469-related conditions. ClinVar contains an entry for this variant (Variation ID: 1737204). An algorithm developed to predict the effect of missense changes on protein structure and function outputs the following: PolyPhen-2: "Possibly Damaging". The arginine amino acid residue is found in multiple mammalian species, which suggests that this missense change does not adversely affect protein function. In summary, the available evidence is currently insufficient to determine the role of this variant in disease. Therefore, it has been classified as a Variant of Uncertain Significance.

Ambry Genetics
Classification: Likely benign for Cardiovascular phenotype. Last evaluated: 2024-04-09. Review status: criteria provided, single submitter. Criteria: Ambry Variant Classification Scheme 2023. Collection method: clinical testing. Allele origin: germline.

NM_001367624.2(ZNF469):c.4114G>A (p.Gly1372Arg)

Gene: ZNF469 (zinc finger protein 469; plus strand). Cytogenetic location: 16q24.2.
Variant type: single nucleotide variant.
Coding change: c.4114G>A on transcript NM_001367624.2 (MANE Select); coding-DNA position 4114, G replaced by A.
Protein change: p.Gly1372Arg; replaces glycine 1372 with arginine.
Molecular consequence: missense variant.
Genome position (GRCh38, 1-based): chr16:88,431,584, G>A. VCF-style: chr16-88431584-G-A. GRCh37 (hg19) VCF-style: chr16-88497992-G-A.
Other names: NM_001127464.1:c.4030G>A; short protein forms G1372R.
Identifiers: ClinVar variation 1737204 (VCV001737204.8), dbSNP rs368674617, ClinGen allele CA8224916.